The following is an entry in ClinVar:

ClinVar aggregate classification (germline): Uncertain significance (1 of 4 stars; one submission).

Conditions:
Leber congenital amaurosis 13 (LCA13). Identifiers: MedGen C2675186, MONDO:0012990, OMIM 612712.

Allele frequency attached by ClinVar (database versions not stated): TOPMed below 0.00001.

Submission:

Labcorp Genetics (formerly Invitae), Labcorp
Classification: Uncertain significance for Leber congenital amaurosis 13. Last evaluated: 2022-07-05. Review status: criteria provided, single submitter. Criteria: Invitae Variant Classification Sherloc (09022015). Collection method: clinical testing. Allele origin: germline.
Comment: In summary, the available evidence is currently insufficient to determine the role of this variant in disease. Therefore, it has been classified as a Variant of Uncertain Significance. This variant is not present in population databases (gnomAD no frequency). This variant disrupts the p.His151 amino acid residue in RDH12. Other variant(s) that disrupt this residue have been determined to be pathogenic (PMID: 15322982, 17389517, 30718709). This suggests that this residue is clinically significant, and that variants that disrupt this residue are likely to be disease-causing. Algorithms developed to predict the effect of missense changes on protein structure and function (SIFT, PolyPhen-2, Align-GVGD) all suggest that this variant is likely to be disruptive. ClinVar contains an entry for this variant (Variation ID: 1384663). This variant has not been reported in the literature in individuals affected with RDH12-related conditions. This sequence change replaces histidine, which is basic and polar, with arginine, which is basic and polar, at codon 151 of the RDH12 protein (p.His151Arg).

Literature cited by the submitters: PubMed 15322982; PubMed 17389517; PubMed 30718709.

NM_152443.3(RDH12):c.452A>G (p.His151Arg)

Genes: RDH12 (retinol dehydrogenase 12; plus strand), GPHN (gephyrin; plus strand). Cytogenetic location: 14q24.1.
Variant type: single nucleotide variant.
Coding change: c.452A>G on transcript NM_152443.3 (MANE Select); coding-DNA position 452, A replaced by G.
Protein change: p.His151Arg; replaces histidine 151 with arginine.
Molecular consequence: missense variant.
Genome position (GRCh38, 1-based): chr14:67,726,984, A>G. VCF-style: chr14-67726984-A-G. GRCh37 (hg19) VCF-style: chr14-68193701-A-G.
Other names: short protein forms H151R.
Identifiers: ClinVar variation 1384663 (VCV001384663.6), dbSNP rs1254990753, ClinGen allele CA390150489.